The following is an entry in ClinVar:

ClinVar aggregate classification (germline): Uncertain significance. Review status: criteria provided, multiple submitters, no conflicts (2 of 4 stars). 4 submissions from 4 submitters: Uncertain significance (3). 1 of the submissions does not count toward it. Last evaluated 2023-09-25.

Conditions:
Cardiovascular phenotype. Identifiers: MedGen CN230736.
Walker-Warburg congenital muscular dystrophy. Also called: Muscular dystrophy-dystroglycanopathy, type A; Walker-Warburg syndrome. Identifiers: Orphanet 899, MedGen C0265221, MONDO:0000171.
Dilated cardiomyopathy 1X (CMD1X). Also called: FKTN-Related Dilated Cardiomyopathy; CARDIOMYOPATHY, DILATED, WITH MILD OR NO PROXIMAL MUSCLE WEAKNESS. Identifiers: Orphanet 154, MedGen C1969024, MONDO:0012704, OMIM 611615.
Muscular dystrophy-dystroglycanopathy (congenital with brain and eye anomalies), type A, 4 (MDDGA4). Also called: Fukuyama congenital muscular dystrophy; Walker-Warburg Syndrome, Fktn-Related; Congenital muscular dystrophy-dystroglycanopathy with brain and eye anomalies, type A4; WALKER-WARBURG SYNDROME OR MUSCLE-EYE-BRAIN DISEASE, FKTN-RELATED; Muscular dystrophy, congenital progressive, with mental retardation; Muscular dystrophy, congenital, with central nervous system involvement. Identifiers: Orphanet 272, Orphanet 588, Orphanet 899, MedGen C0410174, MONDO:0009678, OMIM 253800.
Muscular dystrophy-dystroglycanopathy (congenital with brain and eye anomalies), type A1 (MDDGA1). Also called: WALKER-WARBURG SYNDROME OR MUSCLE-EYE-BRAIN DISEASE, POMT1-RELATED; Hydrocephalus, agyria and retinal dysplasia; Hard +/- E syndrome; Warburg syndrome; Chemke syndrome; Pagon syndrome. Identifiers: Orphanet 588, Orphanet 899, MedGen C4284790, MONDO:0009364, OMIM 236670.
Autosomal recessive limb-girdle muscular dystrophy type 2M. Also called: MUSCULAR DYSTROPHY, LIMB-GIRDLE, TYPE 2M; MUSCULAR DYSTROPHY-DYSTROGLYCANOPATHY (LIMB-GIRDLE), TYPE C, 4. Identifiers: Orphanet 206554, MedGen C1969040, MONDO:0012699, OMIM 611588.
Muscular dystrophy-dystroglycanopathy (congenital without impaired intellectual development), type B, 4. Also called: MUSCULAR DYSTROPHY, CONGENITAL, FKTN-RELATED; Muscular dystrophy-dystroglycanopathy (congenital without intellectual disability), type B4. Identifiers: MedGen C2751052, MONDO:0013156, OMIM 613152.

Allele frequency attached by ClinVar (database versions not stated): ExAC 0.00002; TOPMed 0.00003; gnomAD 0.00007 and 0.00008; ESP Exome Variant Server 0.00008; gnomAD exomes below 0.00001 and 0.00002.
gnomAD v4.1: 15 of 1,612,518 alleles (0.00093%); highest among the groups gnomAD compares: African/African-American, 0.019%; no homozygotes.

Submissions (4):

Labcorp Genetics (formerly Invitae), Labcorp
Classification: Uncertain significance for Walker-Warburg congenital muscular dystrophy. Last evaluated: 2023-09-25. Review status: criteria provided, single submitter. Criteria: Invitae Variant Classification Sherloc (09022015). Collection method: clinical testing. Allele origin: germline.
Comment: This variant has not been reported in the literature in individuals affected with FKTN-related conditions. This sequence change replaces phenylalanine, which is neutral and non-polar, with leucine, which is neutral and non-polar, at codon 368 of the FKTN protein (p.Phe368Leu). This variant is present in population databases (rs374381691, gnomAD 0.04%). ClinVar contains an entry for this variant (Variation ID: 861579). Advanced modeling of protein sequence and biophysical properties (such as structural, functional, and spatial information, amino acid conservation, physicochemical variation, residue mobility, and thermodynamic stability) performed at Invitae indicates that this missense variant is expected to disrupt FKTN protein function. In summary, the available evidence is currently insufficient to determine the role of this variant in disease. Therefore, it has been classified as a Variant of Uncertain Significance.

Ambry Genetics
Classification: Uncertain significance for Cardiovascular phenotype. Last evaluated: 2023-05-24. Review status: criteria provided, single submitter. Criteria: Ambry Variant Classification Scheme 2023. Collection method: clinical testing. Allele origin: germline.
Comment: The p.F368L variant (also known as c.1102T>C), located in coding exon 8 of the FKTN gene, results from a T to C substitution at nucleotide position 1102. The phenylalanine at codon 368 is replaced by leucine, an amino acid with highly similar properties. This amino acid position is highly conserved in available vertebrate species. In addition, this alteration is predicted to be deleterious by in silico analysis. Since supporting evidence is limited at this time, the clinical significance of this alteration remains unclear.

Fulgent Genetics
Classification: Uncertain significance for Muscular dystrophy-dystroglycanopathy (congenital with brain and eye anomalies), type A1; Muscular dystrophy-dystroglycanopathy (congenital with brain and eye anomalies), type A, 4; Autosomal recessive limb-girdle muscular dystrophy type 2M; Dilated cardiomyopathy 1X; Muscular dystrophy-dystroglycanopathy (congenital without impaired intellectual development), type B, 4. Last evaluated: 2021-08-24. Review status: criteria provided, single submitter. Criteria: ACMG Guidelines, 2015. Collection method: clinical testing. Allele origin: unknown.

Natera, Inc.
Classification: Uncertain significance for Walker-Warburg congenital muscular dystrophy. Last evaluated: 2020-06-15. Review status: no assertion criteria provided. Collection method: clinical testing. Allele origin: germline. Not counted in ClinVar's aggregate classification.

NM_001079802.2(FKTN):c.1102T>C (p.Phe368Leu)

Gene: FKTN (fukutin; plus strand). Cytogenetic location: 9q31.2.
Variant type: single nucleotide variant.
Coding change: c.1102T>C on transcript NM_001079802.2 (MANE Select); coding-DNA position 1102, T replaced by C.
Protein change: p.Phe368Leu; replaces phenylalanine 368 with leucine.
Molecular consequence: missense variant. On other transcripts: non-coding transcript variant (2).
Genome position (GRCh38, 1-based): chr9:105,619,991, T>C. VCF-style: chr9-105619991-T-C. GRCh37 (hg19) VCF-style: chr9-108382272-T-C.
Other names: c.1102T>C, p.Phe368Leu (NM_001198963.2, NM_001351496.2, NM_001351498.2 and 1 more transcripts); c.1033T>C, p.Phe345Leu (NM_001351497.2); c.706T>C, p.Phe236Leu (NM_001351499.2, NM_001351500.2, NM_001351501.2 and 1 more transcripts); short protein forms F345L, F236L, F368L.
Identifiers: ClinVar variation 861579 (VCV000861579.12), dbSNP rs374381691, ClinGen allele CA5170570.
Genomic context (GRCh38, chr9:105,619,991, plus strand): 5'-TAGGTAGAAGACAGCTTGGAACTATCCTTCCAGGGAAAAGATGATGTAAAACTTGATGTT[T>C]TTTTCTTCTATGAAGAAACTGATCACATGTGGAATGGAGGCACTCAGGCCAAAACAGGAA-3'
Protein context (NP_001073270.1, residues 358-378): QGKDDVKLDV[Phe368Leu]FFYEETDHMW